The following is an entry in ClinVar:

NM_000092.5(COL4A4):c.3398-1G>C

Gene: COL4A4 (collagen type IV alpha 4 chain; minus strand). Cytogenetic location: 2q36.3.
Variant type: single nucleotide variant.
Coding change: c.3398-1G>C on transcript NM_000092.5 (MANE Select); the canonical splice acceptor site of the intron before coding-DNA position 3398, G replaced by C.
Molecular consequence: splice acceptor variant.
Genome position (GRCh38, 1-based): chr2:227,042,256, C>G on the plus strand (G>C on the coding strand, the complement: COL4A4 is on the minus strand). VCF-style: chr2-227042256-C-G. GRCh37 (hg19) VCF-style: chr2-227906972-C-G.
Identifiers: ClinVar variation 3377033 (VCV003377033.1).

ClinVar aggregate classification (germline): Likely pathogenic (1 of 4 stars; one submission).

Conditions:
Alport syndrome. Also called: Hemorrhagic familial nephritis; Hemorrhagic hereditary nephritis; Congenital hereditary hematuria. Identifiers: Orphanet 63, MedGen C1567741, MONDO:0018965.

gnomAD v4.1: 1 of 1,599,314 alleles (0.000063%); highest among the groups gnomAD compares: Non-Finnish European, 0.000086%; no homozygotes.

Submission:

Victorian Clinical Genetics Services, Murdoch Childrens Research Institute
Classification: Likely pathogenic for Alport syndrome. Last evaluated: 2024-10-11. Review status: criteria provided, single submitter. Criteria: ACMG Guidelines, 2015. Collection method: clinical testing. Allele origin: germline. Affected: yes.
Comment: Based on the classification scheme VCGS_Germline_v1.3.5, this variant is classified as Likely pathogenic. Following criteria are met: 0103 - Loss of function is a known mechanism of disease for this gene and is associated with Alport syndrome. Dominant negative is a suspected mechanism of disease for this gene as it is a structural protein (PMIDs: 12028435, 24046192). (I) 0108 - This gene is associated with both recessive and dominant disease. Alport syndrome typically has biallelic inheritance, although rare cases of monoallelic inheritance have been reported (PMID: 28704582). Thin basement membrane nephropathy (TBMN) and focal segmental glomerulosclerosis (FSGS) are associated with autosomal dominant inheritance (OMIM, PMIDs: 16467446, 17942953). (I) 0211 - Canonical splice site variant without proven consequence on splicing (no functional evidence available). (SP) 0251 - This variant is heterozygous. (I) 0304 - Variant is present in gnomAD <0.01 (v4: 1 heterozygote, 0 homozygotes). (SP) 0505 - Abnormal splicing is predicted by in silico tools and affected nucleotide is highly conserved. (SP) 0704 - Another canonical splice variant comparable to the one identified in this case has limited previous evidence for pathogenicity. c.3398-1G>T has been classified as likely pathogenic once by a clinical laboratory (ClinVar). (SP) 0807 - This variant has no previous evidence of pathogenicity. (I) 0905 - No published segregation evidence has been identified for this variant. (I) 1007 - No published functional evidence has been identified for this variant. (I) 1208 - Inheritance information for this variant is not currently available in this individual. (I) Legend: (SP) - Supporting pathogenic, (I) - Information, (SB) - Supporting benign

Literature cited by the submitters: PubMed 12028435; PubMed 16467446; PubMed 17942953; PubMed 24046192; PubMed 28704582.